The following is an entry in ClinVar:

NM_000551.4(VHL):c.71G>T (p.Gly24Val)

Gene: VHL (von Hippel-Lindau tumor suppressor; plus strand). Cytogenetic location: 3p25.3.
Variant type: single nucleotide variant.
Coding change: c.71G>T on transcript NM_000551.4 (MANE Select); coding-DNA position 71, G replaced by T.
Protein change: p.Gly24Val; replaces glycine 24 with valine.
Molecular consequence: missense variant.
Genome position (GRCh38, 1-based): chr3:10,141,918, G>T. VCF-style: chr3-10141918-G-T. GRCh37 (hg19) VCF-style: chr3-10183602-G-T.
Other names: c.71G>T, p.Gly24Val (NM_001354723.2, NM_198156.3); short protein forms G24V.
Identifiers: ClinVar variation 1495327 (VCV001495327.8), dbSNP rs878854129, ClinGen allele CA351747418.

ClinVar aggregate classification (germline): Uncertain significance (1 of 4 stars; one submission).

Conditions:
Chuvash polycythemia. Also called: POLYCYTHEMIA, VHL-DEPENDENT. Identifiers: Orphanet 238557, MedGen C1837915, MONDO:0009892, OMIM 263400.
Von Hippel-Lindau syndrome (VHLS). Also called: Von Hippel-Lindau; VHL syndrome; von Hippel–Lindau syndrome. Identifiers: Orphanet 892, MedGen C0019562, MONDO:0008667, OMIM 193300. Disease mechanism: loss of function.

gnomAD v4.1: 1 of 1,539,664 alleles (0.000065%); highest among the groups gnomAD compares: Non-Finnish European, 0.000088%; no homozygotes.

Submission:

Labcorp Genetics (formerly Invitae), Labcorp
Classification: Uncertain significance for Von Hippel-Lindau syndrome; Chuvash polycythemia. Last evaluated: 2021-05-31. Review status: criteria provided, single submitter. Criteria: Invitae Variant Classification Sherloc (09022015). Collection method: clinical testing. Allele origin: germline.
Comment: In summary, the available evidence is currently insufficient to determine the role of this variant in disease. Therefore, it has been classified as a Variant of Uncertain Significance. Advanced modeling of protein sequence and biophysical properties (such as structural, functional, and spatial information, amino acid conservation, physicochemical variation, residue mobility, and thermodynamic stability) performed at Invitae indicates that this missense variant is not expected to disrupt VHL protein function. This sequence change replaces glycine with valine at codon 24 of the VHL protein (p.Gly24Val). The glycine residue is weakly conserved and there is a moderate physicochemical difference between glycine and valine. The frequency data for this variant in the population databases is considered unreliable, as metrics indicate insufficient coverage at this position in the ExAC database. This variant has not been reported in the literature in individuals with VHL-related conditions.